The following is an entry in ClinVar:

ClinVar aggregate classification (germline): Conflicting classifications of pathogenicity. Review status: criteria provided, conflicting classifications (1 of 4 stars). 2 submissions from 2 submitters: Likely pathogenic (1); Uncertain significance (1). Last evaluated 2023-10-11.

Conditions:
C5-related disorder. Also called: C5-related condition.

Submissions (2):

PreventionGenetics, part of Exact Sciences
Classification: Likely pathogenic for C5-related condition. Last evaluated: 2023-10-11. Review status: criteria provided, single submitter. Criteria: ACMG Guidelines, 2015. Collection method: clinical testing. Allele origin: germline.
Comment: The C5 c.960_962delCAA variant is predicted to result in an in-frame deletion (p.Asn320del). This variant was reported in the homozygous state in individuals with complement C5 deficiency (Colobran et al. 2016. PubMed ID: 27026170); this variant was also described in multiple individuals in a large cohort of patients with invasive meningococcal disease and complement deficiency (Rosain et al. 2017. PubMed ID: 28368462, supplementary data). This variant is reported in 0.010% of alleles in individuals of East Asian descent in gnomAD. This variant is interpreted as likely pathogenic.

Labcorp Genetics (formerly Invitae), Labcorp
Classification: Uncertain significance. Last evaluated: 2021-08-28. Review status: criteria provided, single submitter. Criteria: Invitae Variant Classification Sherloc (09022015). Collection method: clinical testing. Allele origin: germline.
Comment: This variant, c.960_962del, results in the deletion of 1 amino acid(s) of the C5 protein (p.Asn320del), but otherwise preserves the integrity of the reading frame. The frequency data for this variant in the population databases is considered unreliable, as metrics indicate poor data quality at this position in the ExAC database. This variant has been observed in individual(s) with complement component 5 (C5) deficiency (PMID: 27026170). Algorithms developed to predict the effect of sequence changes on RNA splicing suggest that this variant may create or strengthen a splice site. In summary, the available evidence is currently insufficient to determine the role of this variant in disease. Therefore, it has been classified as a Variant of Uncertain Significance.

Literature cited by the submitters: PubMed 27026170 (cited by Labcorp Genetics (formerly Invitae), Labcorp).

NM_001735.3(C5):c.957CAA[1] (p.Asn320del)

Gene: C5 (complement C5; minus strand). Cytogenetic location: 9q33.2.
Variant type: Microsatellite.
Coding change: c.957CAA[1] on transcript NM_001735.3 (MANE Select); one copy of the 3-base unit CAA starting at c.957; the reference has two copies in a row; one copy, 3 bases deleted.
Protein change: p.Asn320del; deletes asparagine 320.
Molecular consequence: inframe deletion.
Genome position (GRCh38, 1-based): chr9:121,025,492-121,025,494, TTG deleted on the plus strand (CAA on the coding strand, the reverse complement: C5 is on the minus strand); deleting any 3 consecutive bases within chr9:121,025,492-121,025,499 gives the same sequence; the position shown is the placement nearest the transcript's 3' end. VCF-style (leftmost placement, unchanged base first): chr9-121025491-CTTG-C. GRCh37 (hg19) VCF-style: chr9-123787769-CTTG-C.
Other names: c.975CAA[1], p.Asn326del (NM_001317163.2); c.957CAA[1], p.Asn320del (NM_001317164.2); c.960_962delCAA (NM_001735.2); short protein forms N320del, N326del.
Identifiers: ClinVar variation 1017774 (VCV001017774.6), dbSNP rs772444483, ClinGen allele CA5218232.
Genomic context (GRCh38, chr9:121,025,491, plus strand): 5'-CACACACACACACACACACTTACCTGTAGACTCTATGACTGTTACAGCAATATAAAGGTA[CTTG>C]TTGTTTAAATCTTCTAAACTGTAGTATGACAGTTCTTTGACTGCTGTTTCAGAATCAAAT-3'